The following is an entry in ClinVar:

ClinVar aggregate classification (germline): Benign/Likely benign. Review status: criteria provided, multiple submitters, no conflicts (2 of 4 stars). 5 submissions from 5 submitters: Benign (2); Likely benign (3). Last evaluated 2025-12-15.

Conditions:
Hereditary cancer-predisposing syndrome. Also called: Tumor predisposition; Hereditary Cancer Syndrome; Neoplastic Syndromes, Hereditary; Hereditary neoplastic syndrome. Identifiers: Orphanet 140162, MedGen C0027672, MeSH D009386, MONDO:0015356.
Familial cancer of breast. Also called: Hereditary breast cancer; BREAST CANCER, FAMILIAL; hereditary breast carcinoma. Identifiers: Orphanet 227535, MedGen C0346153, MONDO:0016419, OMIM 114480. Disease mechanism: loss of function.
Ataxia-telangiectasia syndrome (AT). Also called: Cerebello-oculocutaneous telangiectasia; Immunodeficiency with ataxia telangiectasia; Ataxia telangiectasia (A-T); LOUIS-BAR SYNDROME; ATAXIA-TELANGIECTASIA, COMPLEMENTATION GROUP A; ATAXIA-TELANGIECTASIA, FRESNO VARIANT. Identifiers: Orphanet 100, MedGen C0004135, MONDO:0008840, OMIM 208900.

Allele frequency attached by ClinVar (database versions not stated): gnomAD exomes 0.00001; TOPMed 0.00001.
gnomAD v4.1: 7 of 1,613,778 alleles (0.00043%); highest among the groups gnomAD compares: Admixed American, 0.0017%; no homozygotes.

Submissions (5):

Labcorp Genetics (formerly Invitae), Labcorp
Classification: Likely benign for Ataxia-telangiectasia syndrome. Last evaluated: 2025-12-15. Review status: criteria provided, single submitter. Criteria: Invitae Variant Classification Sherloc (09022015). Collection method: clinical testing. Allele origin: germline.

Myriad Genetics, Inc.
Classification: Benign for Familial cancer of breast. Last evaluated: 2024-04-30. Review status: criteria provided, single submitter. Criteria: Myriad Autosomal Dominant, Autosomal Recessive and X-Linked Classification Criteria (2023). Collection method: clinical testing. Allele origin: unknown.
Comment: This variant is considered benign. This variant is a silent/synonymous amino acid change and it is not expected to impact splicing.

Color Diagnostics, LLC DBA Color Health
Classification: Likely benign for Hereditary cancer-predisposing syndrome. Last evaluated: 2017-03-16. Review status: criteria provided, single submitter. Criteria: ACMG Guidelines, 2015. Collection method: clinical testing. Allele origin: germline.

GeneDx
Classification: Benign. Last evaluated: 2015-03-03. Review status: criteria provided, single submitter. Criteria: GeneDx Variant Classification Process June 2021. Collection method: clinical testing. Allele origin: germline. Affected: yes.

Ambry Genetics
Classification: Likely benign for Hereditary cancer-predisposing syndrome. Last evaluated: 2015-01-28. Review status: criteria provided, single submitter. Criteria: Ambry Variant Classification Scheme 2023. Collection method: clinical testing. Allele origin: germline.

NM_000051.4(ATM):c.1641C>A (p.Thr547=)

Gene: ATM (ATM serine/threonine kinase; plus strand). Cytogenetic location: 11q22.3.
Variant type: single nucleotide variant.
Coding change: c.1641C>A on transcript NM_000051.4 (MANE Select); coding-DNA position 1641, C replaced by A.
Protein change: p.Thr547=; no amino-acid change (threonine 547 retained).
Molecular consequence: synonymous variant.
Genome position (GRCh38, 1-based): chr11:108,251,870, C>A. VCF-style: chr11-108251870-C-A. GRCh37 (hg19) VCF-style: chr11-108122597-C-A.
Other names: c.1641C>A, p.Thr547= (NM_001351834.2).
Identifiers: ClinVar variation 219526 (VCV000219526.20), dbSNP rs864622141, ClinGen allele CA348049.